The following is an entry in ClinVar:

ClinVar aggregate classification (germline): Uncertain significance. Review status: criteria provided, multiple submitters, no conflicts (2 of 4 stars). 2 submissions from 2 submitters: Uncertain significance (2). Last evaluated 2025-03-19.

Conditions:
Familial cancer of breast. Also called: Hereditary breast cancer; hereditary breast carcinoma; BREAST CANCER, FAMILIAL. Identifiers: Orphanet 227535, MedGen C0346153, MONDO:0016419, OMIM 114480. Disease mechanism: loss of function.

Allele frequency attached by ClinVar (database versions not stated): gnomAD exomes below 0.00001; gnomAD 0.00001.
gnomAD v4.1: 5 of 1,613,218 alleles (0.00031%); highest among the groups gnomAD compares: African/African-American, 0.0013%; no homozygotes.

Submissions (2):

Labcorp Genetics (formerly Invitae), Labcorp
Classification: Uncertain significance for Familial cancer of breast. Last evaluated: 2025-03-19. Review status: criteria provided, single submitter. Criteria: Invitae Variant Classification Sherloc (09022015). Collection method: clinical testing. Allele origin: germline.
Comment: This sequence change replaces histidine, which is basic and polar, with arginine, which is basic and polar, at codon 1061 of the PALB2 protein (p.His1061Arg). This variant is not present in population databases (gnomAD no frequency). This variant has not been reported in the literature in individuals affected with PALB2-related conditions. ClinVar contains an entry for this variant (Variation ID: 1026404). Invitae Evidence Modeling of protein sequence and biophysical properties (such as structural, functional, and spatial information, amino acid conservation, physicochemical variation, residue mobility, and thermodynamic stability) indicates that this missense variant is expected to disrupt PALB2 protein function with a positive predictive value of 80%. In summary, the available evidence is currently insufficient to determine the role of this variant in disease. Therefore, it has been classified as a Variant of Uncertain Significance.

GeneDx
Classification: Uncertain significance. Last evaluated: 2020-01-10. Review status: criteria provided, single submitter. Criteria: GeneDx Variant Classification Process June 2021. Collection method: clinical testing. Allele origin: germline. Affected: yes.
Comment: Not observed in large population cohorts (Lek 2016); In silico analysis, which includes protein predictors and evolutionary conservation, supports a deleterious effect; Has not been previously published as pathogenic or benign to our knowledge

NM_024675.4(PALB2):c.3182A>G (p.His1061Arg)

Gene: PALB2 (partner and localizer of BRCA2; minus strand). Cytogenetic location: 16p12.2.
Variant type: single nucleotide variant.
Coding change: c.3182A>G on transcript NM_024675.4 (MANE Select); coding-DNA position 3182, A replaced by G.
Protein change: p.His1061Arg; replaces histidine 1061 with arginine.
Molecular consequence: missense variant.
Genome position (GRCh38, 1-based): chr16:23,614,023, T>C on the plus strand (A>G on the coding strand, the complement: PALB2 is on the minus strand). VCF-style: chr16-23614023-T-C. GRCh37 (hg19) VCF-style: chr16-23625344-T-C.
Other names: short protein forms H1061R.
Identifiers: ClinVar variation 1026404 (VCV001026404.11), dbSNP rs1966634515, ClinGen allele CA395141168.